The following is an entry in ClinVar:

NM_001039213.4(CEACAM16):c.880A>G (p.Ile294Val)

Genes: CEACAM16 (CEA cell adhesion molecule 16, tectorial membrane component; plus strand), CEACAM16-AS1 (CEACAM16, CEACAM19 and PVR antisense RNA 1; minus strand). Cytogenetic location: 19q13.32.
Variant type: single nucleotide variant.
Coding change: c.880A>G on transcript NM_001039213.4 (MANE Select); coding-DNA position 880, A replaced by G.
Protein change: p.Ile294Val; replaces isoleucine 294 with valine.
Molecular consequence: missense variant.
Genome position (GRCh38, 1-based): chr19:44,705,808, A>G. VCF-style: chr19-44705808-A-G. GRCh37 (hg19) VCF-style: chr19-45209078-A-G.
Other names: short protein forms I294V.
Identifiers: ClinVar variation 1402794 (VCV001402794.8), dbSNP rs879394451, ClinGen allele CA308871353.

ClinVar aggregate classification (germline): Uncertain significance (1 of 4 stars; one submission).

Allele frequency attached by ClinVar (database versions not stated): gnomAD 0.00001; gnomAD exomes 0.00001; TOPMed 0.00001.
gnomAD v4.1: 9 of 1,613,844 alleles (0.00056%); highest among the groups gnomAD compares: Non-Finnish European, 0.00076%; no homozygotes.

Submission:

Labcorp Genetics (formerly Invitae), Labcorp
Classification: Uncertain significance. Last evaluated: 2021-06-16. Review status: criteria provided, single submitter. Criteria: Invitae Variant Classification Sherloc (09022015). Collection method: clinical testing. Allele origin: germline.
Comment: Algorithms developed to predict the effect of missense changes on protein structure and function are either unavailable or do not agree on the potential impact of this missense change (SIFT: "Tolerated"; PolyPhen-2: "Probably Damaging"; Align-GVGD: "Class C0"). In summary, the available evidence is currently insufficient to determine the role of this variant in disease. Therefore, it has been classified as a Variant of Uncertain Significance. This variant has not been reported in the literature in individuals with CEACAM16-related conditions. This variant is not present in population databases (ExAC no frequency). This sequence change replaces isoleucine with valine at codon 294 of the CEACAM16 protein (p.Ile294Val). The isoleucine residue is highly conserved and there is a small physicochemical difference between isoleucine and valine.